The following is an entry in ClinVar:

ClinVar aggregate classification (germline): Likely benign. Review status: criteria provided, multiple submitters, no conflicts (2 of 4 stars). 2 submissions from 2 submitters: Likely benign (2). Last evaluated 2025-05-04.

Conditions:
Charcot-Marie-Tooth disease type 4. Also called: Charcot-Marie-Tooth disease, type IV; Charcot-Marie-Tooth, Type 4. Identifiers: Orphanet 64749, MedGen C4082197, MONDO:0018995.
SBF2-related disorder. Also called: SBF2-related condition.

Allele frequency attached by ClinVar (database versions not stated): gnomAD exomes below 0.00001 and 0.00001; ExAC 0.00002; gnomAD 0.00008; TOPMed 0.00022; 1000 Genomes Project 0.00040; 1000 Genomes Project 30x 0.00047.
gnomAD v4.1: 18 of 1,614,240 alleles (0.0011%); highest among the groups gnomAD compares: Admixed American, 0.023%; no homozygotes.

Submissions (2):

Labcorp Genetics (formerly Invitae), Labcorp
Classification: Likely benign for Charcot-Marie-Tooth disease type 4. Last evaluated: 2025-05-04. Review status: criteria provided, single submitter. Criteria: Invitae Variant Classification Sherloc (09022015). Collection method: clinical testing. Allele origin: germline.

PreventionGenetics, part of Exact Sciences
Classification: Likely benign for SBF2-related condition. Last evaluated: 2025-04-01. Review status: criteria provided, single submitter. Criteria: ACMG Guidelines, 2015. Collection method: clinical testing. Allele origin: germline.
Comment: This variant is classified as likely benign based on ACMG/AMP sequence variant interpretation guidelines (Richards et al. 2015 PMID: 25741868, with internal and published modifications).

NM_030962.4(SBF2):c.2070A>G (p.Glu690=)

Genes: SBF2 (SET binding factor 2; minus strand), LOC101928008 (uncharacterized LOC101928008; plus strand). Cytogenetic location: 11p15.4.
Variant type: single nucleotide variant.
Coding change: c.2070A>G on transcript NM_030962.4 (MANE Select); coding-DNA position 2070, A replaced by G.
Protein change: p.Glu690=; no amino-acid change (glutamic acid 690 retained).
Molecular consequence: synonymous variant.
Genome position (GRCh38, 1-based): chr11:9,858,256, T>C on the plus strand (A>G on the coding strand, the complement: SBF2 is on the minus strand). VCF-style: chr11-9858256-T-C. GRCh37 (hg19) VCF-style: chr11-9879803-T-C.
Other names: c.2070A>G, p.Glu690= (NM_001386339.1); c.1941A>G, p.Glu647= (NM_001386342.1).
Identifiers: ClinVar variation 703612 (VCV000703612.14), dbSNP rs201247796, ClinGen allele CA5881657.